The following is an entry in ClinVar:

ClinVar aggregate classification (germline): Uncertain significance (1 of 4 stars; one submission).

Conditions:
Dextro-looped transposition of the great arteries. Also called: Dextrotransposition of the great arteries. Identifiers: Orphanet 860, MedGen C3531771, MONDO:0019443, OMIM 608808, HP:0031348.

Submission:

Labcorp Genetics (formerly Invitae), Labcorp
Classification: Uncertain significance for Dextro-looped transposition of the great arteries. Last evaluated: 2023-10-23. Review status: criteria provided, single submitter. Criteria: Invitae Variant Classification Sherloc (09022015). Collection method: clinical testing. Allele origin: germline.
Comment: This sequence change replaces alanine, which is neutral and non-polar, with proline, which is neutral and non-polar, at codon 346 of the MED13L protein (p.Ala346Pro). This variant is not present in population databases (gnomAD no frequency). This variant has not been reported in the literature in individuals affected with MED13L-related conditions. Advanced modeling of protein sequence and biophysical properties (such as structural, functional, and spatial information, amino acid conservation, physicochemical variation, residue mobility, and thermodynamic stability) performed at Invitae indicates that this missense variant is not expected to disrupt MED13L protein function with a negative predictive value of 80%. In summary, the available evidence is currently insufficient to determine the role of this variant in disease. Therefore, it has been classified as a Variant of Uncertain Significance.

NM_015335.5(MED13L):c.1036G>C (p.Ala346Pro)

Gene: MED13L (mediator complex subunit 13L; minus strand). Cytogenetic location: 12q24.21.
Variant type: single nucleotide variant.
Coding change: c.1036G>C on transcript NM_015335.5 (MANE Select); coding-DNA position 1036, G replaced by C.
Protein change: p.Ala346Pro; replaces alanine 346 with proline.
Molecular consequence: missense variant.
Genome position (GRCh38, 1-based): chr12:116,015,248, C>G on the plus strand (G>C on the coding strand, the complement: MED13L is on the minus strand). VCF-style: chr12-116015248-C-G. GRCh37 (hg19) VCF-style: chr12-116453053-C-G.
Other names: short protein forms A346P.
Identifiers: ClinVar variation 2745478 (VCV002745478.3), dbSNP rs1286999510, ClinGen allele CA386898717.